The following is an entry in ClinVar:

NM_138694.4(PKHD1):c.4838G>T (p.Cys1613Phe)

Genes: PKHD1 (PKHD1 ciliary IPT domain containing fibrocystin/polyductin; minus strand), LOC126859690 (MED14-independent group 3 enhancer GRCh37_chr6:51888848-51890047; plus strand). Cytogenetic location: 6p12.2.
Variant type: single nucleotide variant.
Coding change: c.4838G>T on transcript NM_138694.4 (MANE Select); coding-DNA position 4838, G replaced by T.
Protein change: p.Cys1613Phe; replaces cysteine 1613 with phenylalanine.
Molecular consequence: missense variant.
Genome position (GRCh38, 1-based): chr6:52,024,972, C>A on the plus strand (G>T on the coding strand, the complement: PKHD1 is on the minus strand). VCF-style: chr6-52024972-C-A. GRCh37 (hg19) VCF-style: chr6-51889770-C-A.
Other names: c.4838G>T, p.Cys1613Phe (NM_170724.3); short protein forms C1613F.
Identifiers: ClinVar variation 2857987 (VCV002857987.3), dbSNP rs375437755, ClinGen allele CA364431089.

ClinVar aggregate classification (germline): Likely pathogenic (1 of 4 stars; one submission).

Conditions:
Autosomal recessive polycystic kidney disease (ARPKD). Also called: AR polycystic kidney disease. Identifiers: Orphanet 731, Orphanet 8378, MedGen C0085548, MeSH D017044, MONDO:0009889.

gnomAD v4.1: 1 of 1,614,212 alleles (0.000062%); highest among the groups gnomAD compares: South Asian, 0.0011%; no homozygotes.

Submission:

Labcorp Genetics (formerly Invitae), Labcorp
Classification: Likely pathogenic for Autosomal recessive polycystic kidney disease. Last evaluated: 2023-04-20. Review status: criteria provided, single submitter. Criteria: Invitae Variant Classification Sherloc (09022015). Collection method: clinical testing. Allele origin: germline.
Comment: Advanced modeling of protein sequence and biophysical properties (such as structural, functional, and spatial information, amino acid conservation, physicochemical variation, residue mobility, and thermodynamic stability) performed at Invitae indicates that this missense variant is expected to disrupt PKHD1 protein function. In summary, the currently available evidence indicates that the variant is pathogenic, but additional data are needed to prove that conclusively. Therefore, this variant has been classified as Likely Pathogenic. This variant disrupts the p.Cys1613 amino acid residue in PKHD1. Other variant(s) that disrupt this residue have been determined to be pathogenic (PMID: 16133180; Invitae). This suggests that this residue is clinically significant, and that variants that disrupt this residue are likely to be disease-causing. This variant has not been reported in the literature in individuals affected with PKHD1-related conditions. This variant is not present in population databases (gnomAD no frequency). This sequence change replaces cysteine, which is neutral and slightly polar, with phenylalanine, which is neutral and non-polar, at codon 1613 of the PKHD1 protein (p.Cys1613Phe).

Literature cited by the submitters: PubMed 16133180.